The following is an entry in ClinVar:

ClinVar aggregate classification (germline): Uncertain significance (1 of 4 stars; one submission).

Conditions:
Hereditary cancer-predisposing syndrome. Also called: Neoplastic Syndromes, Hereditary; Tumor predisposition; Hereditary neoplastic syndrome; Hereditary Cancer Syndrome. Identifiers: Orphanet 140162, MedGen C0027672, MeSH D009386, MONDO:0015356.

Submission:

Ambry Genetics
Classification: Uncertain significance for Hereditary cancer-predisposing syndrome. Last evaluated: 2026-07-06. Review status: criteria provided, single submitter. Criteria: Ambry Variant Classification Scheme 2023. Collection method: clinical testing. Allele origin: germline.
Comment: The p.E44Q variant (also known as c.130G>C), located in coding exon 1 of the PRKAR1A gene, results from a G to C substitution at nucleotide position 130. The glutamic acid at codon 44 is replaced by glutamine, an amino acid with highly similar properties. This amino acid position is conserved. In addition, this alteration is predicted to be tolerated by in silico analysis. Based on the available evidence, the clinical significance of this variant remains unclear.

NM_002734.5(PRKAR1A):c.130G>C (p.Glu44Gln)

Gene: PRKAR1A (protein kinase cAMP-dependent type I regulatory subunit alpha; plus strand). Cytogenetic location: 17q24.2.
Variant type: single nucleotide variant.
Coding change: c.130G>C on transcript NM_002734.5 (MANE Select); coding-DNA position 130, G replaced by C.
Protein change: p.Glu44Gln; replaces glutamic acid 44 with glutamine.
Molecular consequence: missense variant.
Genome position (GRCh38, 1-based): chr17:68,515,529, G>C. VCF-style: chr17-68515529-G-C. GRCh37 (hg19) VCF-style: chr17-66511670-G-C.
Other names: c.130G>C, p.Glu44Gln (NM_001276289.2, NM_001276290.1, NM_001278433.2 and 4 more transcripts); short protein forms E44Q.
Identifiers: ClinVar variation 5027320 (VCV005027320.1).
Genomic context (GRCh38, chr17:68,515,529, plus strand): 5'-AAGCATAACATTCAAGCGCTGCTCAAAGATTCTATTGTGCAGTTGTGCACTGCTCGACCT[G>C]AGAGACCCATGGCATTCCTCAGGGAATACTTTGAGAGGTTGGAGAAGGTAAAAATAAATG-3'
Protein context (NP_002725.1, residues 34-54): SIVQLCTARP[Glu44Gln]RPMAFLREYF